The following is an entry in ClinVar:

ClinVar aggregate classification (germline): Uncertain significance (1 of 4 stars; one submission).

Conditions:
Inborn genetic diseases. Identifiers: MedGen C0950123, MeSH D030342.

Allele frequency attached by ClinVar (database versions not stated): gnomAD 0.00001.

Submission:

Ambry Genetics
Classification: Uncertain significance for Inborn genetic diseases. Last evaluated: 2021-10-06. Review status: criteria provided, single submitter. Criteria: Ambry Variant Classification Scheme 2023. Collection method: clinical testing. Allele origin: germline.
Comment: The p.G408E variant (also known as c.1223G>A), located in coding exon 9 of the BUB1B gene, results from a G to A substitution at nucleotide position 1223. The glycine at codon 408 is replaced by glutamic acid, an amino acid with similar properties. This amino acid position is conserved. In addition, this alteration is predicted to be tolerated by in silico analysis. Since supporting evidence is limited at this time, the clinical significance of this alteration remains unclear.

NM_001211.6(BUB1B):c.1223G>A (p.Gly408Glu)

Gene: BUB1B (BUB1 mitotic checkpoint serine/threonine kinase B; plus strand). Cytogenetic location: 15q15.1.
Variant type: single nucleotide variant.
Coding change: c.1223G>A on transcript NM_001211.6 (MANE Select); coding-DNA position 1223, G replaced by A.
Protein change: p.Gly408Glu; replaces glycine 408 with glutamic acid.
Molecular consequence: missense variant.
Genome position (GRCh38, 1-based): chr15:40,196,709, G>A. VCF-style: chr15-40196709-G-A. GRCh37 (hg19) VCF-style: chr15-40488910-G-A.
Other names: short protein forms G408E.
Identifiers: ClinVar variation 1753680 (VCV001753680.2), dbSNP rs2140898493, ClinGen allele CA391687490.